The following is an entry in ClinVar:

NM_152468.5(TMC8):c.1254C>G (p.Cys418Trp)

Gene: TMC8 (transmembrane channel like 8; plus strand). Cytogenetic location: 17q25.3.
Variant type: single nucleotide variant.
Coding change: c.1254C>G on transcript NM_152468.5 (MANE Select); coding-DNA position 1254, C replaced by G.
Protein change: p.Cys418Trp; replaces cysteine 418 with tryptophan.
Molecular consequence: missense variant.
Genome position (GRCh38, 1-based): chr17:78,137,719, C>G. VCF-style: chr17-78137719-C-G. GRCh37 (hg19) VCF-style: chr17-76133800-C-G.
Other names: short protein forms C418W.
Identifiers: ClinVar variation 1017040 (VCV001017040.10), dbSNP rs542103664, ClinGen allele CA294366820.

ClinVar aggregate classification (germline): Uncertain significance (1 of 4 stars; one submission).

Conditions:
Epidermodysplasia verruciformis. Identifiers: Orphanet 302, MedGen C0014522, MONDO:0009176.

Allele frequency attached by ClinVar (database versions not stated): gnomAD 0.00001; gnomAD exomes 0.00001 and below 0.00001; TOPMed below 0.00001.
gnomAD v4.1: 8 of 1,613,216 alleles (0.0005%); highest among the groups gnomAD compares: Non-Finnish European, 0.00059%; no homozygotes.

Submission:

Labcorp Genetics (formerly Invitae), Labcorp
Classification: Uncertain significance for Epidermodysplasia verruciformis. Last evaluated: 2020-02-06. Review status: criteria provided, single submitter. Criteria: Invitae Variant Classification Sherloc (09022015). Collection method: clinical testing. Allele origin: germline.
Comment: Algorithms developed to predict the effect of missense changes on protein structure and function (SIFT, PolyPhen-2, Align-GVGD) all suggest that this variant is likely to be disruptive, but these predictions have not been confirmed by published functional studies and their clinical significance is uncertain. This variant has not been reported in the literature in individuals with TMC8-related conditions. This variant is not present in population databases (ExAC no frequency). This sequence change replaces cysteine with tryptophan at codon 418 of the TMC8 protein (p.Cys418Trp). The cysteine residue is highly conserved and there is a large physicochemical difference between cysteine and tryptophan. In summary, the available evidence is currently insufficient to determine the role of this variant in disease. Therefore, it has been classified as a Variant of Uncertain Significance. Algorithms developed to predict the effect of sequence changes on RNA splicing suggest that this variant may create or strengthen a splice site, but this prediction has not been confirmed by published transcriptional studies.